The following is an entry in ClinVar:

NM_001130009.3(GEN1):c.715A>G (p.Asn239Asp)

Gene: GEN1 (GEN1 Holliday junction 5' flap endonuclease; plus strand). Cytogenetic location: 2p24.2.
Variant type: single nucleotide variant.
Coding change: c.715A>G on transcript NM_001130009.3 (MANE Select); coding-DNA position 715, A replaced by G.
Protein change: p.Asn239Asp; replaces asparagine 239 with aspartic acid.
Molecular consequence: missense variant.
Genome position (GRCh38, 1-based): chr2:17,771,200, A>G. VCF-style: chr2-17771200-A-G. GRCh37 (hg19) VCF-style: chr2-17952467-A-G.
Other names: c.715A>G, p.Asn239Asp (NM_182625.5); short protein forms N239D.
Identifiers: ClinVar variation 3853487 (VCV003853487.1).

ClinVar aggregate classification (germline): Uncertain significance (1 of 4 stars; one submission).

gnomAD v4.1: 1 of 1,602,850 alleles (0.000062%); highest among the groups gnomAD compares: Non-Finnish European, 0.000085%; no homozygotes.

Submission:

Ambry Genetics
Classification: Uncertain significance. Last evaluated: 2025-01-06. Review status: criteria provided, single submitter. Criteria: Ambry Variant Classification Scheme 2023. Collection method: clinical testing. Allele origin: germline.
Comment: The p.N239D variant (also known as c.715A>G), located in coding exon 6 of the GEN1 gene, results from an A to G substitution at nucleotide position 715. The asparagine at codon 239 is replaced by aspartic acid, an amino acid with highly similar properties. This amino acid position is conserved. In addition, this alteration is predicted to be tolerated by in silico analysis. Based on the available evidence, the clinical significance of this variant remains unclear.